The following is an entry in ClinVar:

NM_001429.4(EP300):c.7028A>G (p.Gln2343Arg)

Gene: EP300 (EP300 lysine acetyltransferase; plus strand). Cytogenetic location: 22q13.2.
Variant type: single nucleotide variant.
Coding change: c.7028A>G on transcript NM_001429.4 (MANE Select); coding-DNA position 7028, A replaced by G.
Protein change: p.Gln2343Arg; replaces glutamine 2343 with arginine.
Molecular consequence: missense variant.
Genome position (GRCh38, 1-based): chr22:41,178,739, A>G. VCF-style: chr22-41178739-A-G. GRCh37 (hg19) VCF-style: chr22-41574743-A-G.
Other names: c.6950A>G, p.Gln2317Arg (NM_001362843.2); short protein forms Q2317R, Q2343R.
Identifiers: ClinVar variation 4531855 (VCV004531855.1).
Genomic context (GRCh38, chr22:41,178,739, plus strand): 5'-CCCACTCCAGTCCTTCCCCAAGGATGCAGCCTCAGCCTTCTCCACACCACGTTTCCCCAC[A>G]GACAAGTTCCCCACATCCTGGACTGGTAGCTGCCCAGGCCAACCCCATGGAACAAGGGCA-3'
Protein context (NP_001420.2, residues 2333-2353): PQPSPHHVSP[Gln2343Arg]TSSPHPGLVA

ClinVar aggregate classification (germline): Uncertain significance (1 of 4 stars; one submission).

Conditions:
Rubinstein-Taybi syndrome due to EP300 haploinsufficiency. Also called: EP300-Related Rubinstein-Taybi Syndrome; RUBINSTEIN-TAYBI SYNDROME 2. Identifiers: Orphanet 353284, Orphanet 783, MedGen C3150941, MONDO:0013364, OMIM 613684.

Submission:

Victorian Clinical Genetics Services, Murdoch Childrens Research Institute
Classification: Uncertain significance for Rubinstein-Taybi syndrome due to EP300 haploinsufficiency. Last evaluated: 2025-07-16. Review status: criteria provided, single submitter. Criteria: ACMG Guidelines, 2015. Collection method: clinical testing. Allele origin: germline. Affected: yes.
Comment: This variant is classified as VUS-3B. Evidence in support of pathogenic classification: Variant is absent from gnomAD (v2, v3 and v4). Additional information: Variant is predicted to result in a missense amino acid change from Gln to Arg; This variant is heterozygous; This gene is associated with autosomal dominant disease; Alternative amino acid change(s) at the same position are present in gnomAD (highest allele count: v4: 1 heterozygote(s), 0 homozygote(s)); Previous evidence of pathogenicity for this variant is inconclusive. This variant was classified as a variant of uncertain significance in one individual with a phenotype inconsistent with Rubinstein-Taybi syndrome and other reported EP300-related conditions (PMID: 31322791); No published evidence of segregation with disease has been identified for this variant; No published functional evidence has been identified for this variant; No comparable missense variants have previous evidence for pathogenicity; Variant is not located in an established domain, motif, hotspot or informative constraint region; Missense variant with inconclusive in silico prediction and uninformative conservation; Loss of function is a known mechanism of disease in this gene and is associated with Rubinstein-Taybi syndrome 2 (RSTS; MIM#613684) and Menke-Hennekam syndrome 2 (MHS2; MIM#618333). Additionally, dominant negative is a suggested mechanism (PMIDs: 20301699, 24381114). Variants reported to cause RSTS are found throughout the protein, whereas the few variants reported for MHS are located in exon 31 (PMID: 29460469); Variants in this gene are known to have variable expressivity. Clinical features and developmental outcomes vary considerably between individuals with RSTS, with rare reports of pathogenic variants inherited from asymptomatic or mildly affected parents (PMID: 20301699).

Literature cited by the submitters: PubMed 29460469; PubMed 31322791; PubMed 24381114; PubMed 20301699.